The following is an entry in ClinVar:

ClinVar aggregate classification (germline): Uncertain significance. Review status: criteria provided, multiple submitters, no conflicts (2 of 4 stars). 2 submissions from 2 submitters: Uncertain significance (2). Last evaluated 2023-10-23.

Conditions:
Dyskeratosis congenita. Identifiers: Orphanet 1775, MedGen C0265965, MONDO:0015780.
Idiopathic Pulmonary Fibrosis. Also called: Idiopathic fibrosing alveolitis, chronic form; idiopathic fibrosing alveolitis. Identifiers: Orphanet 2032, MedGen C1800706, MeSH D054990, MONDO:0800504.
Dyskeratosis congenita, autosomal dominant 2. Identifiers: MedGen C3151443, MONDO:0013521, OMIM 613989.

Allele frequency attached by ClinVar (database versions not stated): gnomAD exomes below 0.00001 and 0.00001; gnomAD 0.00001; TOPMed 0.00001.
gnomAD v4.1: 7 of 1,546,872 alleles (0.00045%); highest among the groups gnomAD compares: African/African-American, 0.0014%; no homozygotes.

Submissions (2):

Labcorp Genetics (formerly Invitae), Labcorp
Classification: Uncertain significance for Dyskeratosis congenita, autosomal dominant 2; Idiopathic Pulmonary Fibrosis. Last evaluated: 2023-10-23. Review status: criteria provided, single submitter. Criteria: Invitae Variant Classification Sherloc (09022015). Collection method: clinical testing. Allele origin: germline.
Comment: This sequence change replaces proline, which is neutral and non-polar, with arginine, which is basic and polar, at codon 314 of the TERT protein (p.Pro314Arg). The frequency data for this variant in the population databases is considered unreliable, as metrics indicate poor data quality at this position in the gnomAD database. This variant has not been reported in the literature in individuals affected with TERT-related conditions. ClinVar contains an entry for this variant (Variation ID: 851329). Advanced modeling of protein sequence and biophysical properties (such as structural, functional, and spatial information, amino acid conservation, physicochemical variation, residue mobility, and thermodynamic stability) has been performed at Invitae for this missense variant, however the output from this modeling did not meet the statistical confidence thresholds required to predict the impact of this variant on TERT protein function. In summary, the available evidence is currently insufficient to determine the role of this variant in disease. Therefore, it has been classified as a Variant of Uncertain Significance.

Ambry Genetics
Classification: Uncertain significance for Dyskeratosis congenita. Last evaluated: 2022-02-23. Review status: criteria provided, single submitter. Criteria: Ambry Variant Classification Scheme 2023. Collection method: clinical testing. Allele origin: germline.
Comment: The p.P314R variant (also known as c.941C>G), located in coding exon 2 of the TERT gene, results from a C to G substitution at nucleotide position 941. The proline at codon 314 is replaced by arginine, an amino acid with dissimilar properties. This amino acid position is conserved. In addition, the in silico prediction for this alteration is inconclusive. Since supporting evidence is limited at this time, the clinical significance of this alteration remains unclear.

NM_198253.3(TERT):c.941C>G (p.Pro314Arg)

Gene: TERT (telomerase reverse transcriptase; minus strand). Cytogenetic location: 5p15.33.
Variant type: single nucleotide variant.
Coding change: c.941C>G on transcript NM_198253.3 (MANE Select); coding-DNA position 941, C replaced by G.
Protein change: p.Pro314Arg; replaces proline 314 with arginine.
Molecular consequence: missense variant. On other transcripts: non-coding transcript variant (2).
Genome position (GRCh38, 1-based): chr5:1,293,945, G>C on the plus strand (C>G on the coding strand, the complement: TERT is on the minus strand). VCF-style: chr5-1293945-G-C. GRCh37 (hg19) VCF-style: chr5-1294060-G-C.
Other names: c.941C>G, p.Pro314Arg (NM_001193376.3); short protein forms P314R.
Identifiers: ClinVar variation 851329 (VCV000851329.50), dbSNP rs1306142415, ClinGen allele CA359056113.